The following is an entry in ClinVar:

ClinVar aggregate classification (germline): Uncertain significance (1 of 4 stars; one submission).

Conditions:
Hereditary cancer-predisposing syndrome. Also called: Neoplastic Syndromes, Hereditary; Tumor predisposition; Hereditary Cancer Syndrome; Hereditary neoplastic syndrome. Identifiers: Orphanet 140162, MedGen C0027672, MeSH D009386, MONDO:0015356.

Submission:

Ambry Genetics
Classification: Uncertain significance for Hereditary cancer-predisposing syndrome. Last evaluated: 2026-02-20. Review status: criteria provided, single submitter. Criteria: Ambry Variant Classification Scheme 2023. Collection method: clinical testing. Allele origin: germline.
Comment: The p.R2454I variant (also known as c.7361G>T), located in coding exon 15 of the APC gene, results from a G to T substitution at nucleotide position 7361. The arginine at codon 2454 is replaced by isoleucine, an amino acid with similar properties. This amino acid position is conserved. In addition, in silico predictors for this gene do not accurately predict pathogenicity. Based on the available evidence, the clinical significance of this variant remains unclear.

NM_000038.6(APC):c.7361G>T (p.Arg2454Ile)

Gene: APC (APC regulator of Wnt signaling pathway; plus strand). Cytogenetic location: 5q22.2.
Variant type: single nucleotide variant.
Coding change: c.7361G>T on transcript NM_000038.6 (MANE Select); coding-DNA position 7361, G replaced by T.
Protein change: p.Arg2454Ile; replaces arginine 2454 with isoleucine.
Molecular consequence: missense variant. On other transcripts: non-coding transcript variant (2).
Genome position (GRCh38, 1-based): chr5:112,842,955, G>T. VCF-style: chr5-112842955-G-T. GRCh37 (hg19) VCF-style: chr5-112178652-G-T.
Other names: c.7361G>T, p.Arg2454Ile (NM_001127510.3, NM_001354895.2, NM_001407450.1); c.7307G>T, p.Arg2436Ile (NM_001127511.3); c.7415G>T, p.Arg2472Ile (NM_001354896.2, NM_001407447.1, NM_001407448.1 and 1 more transcripts); c.7391G>T, p.Arg2464Ile (NM_001354897.2); c.7286G>T, p.Arg2429Ile (NM_001354898.2); c.7277G>T, p.Arg2426Ile (NM_001354899.2); c.7238G>T, p.Arg2413Ile (NM_001354900.2); c.7184G>T, p.Arg2395Ile (NM_001354901.2, NM_001407453.1); and 11 more; short protein forms R2325I, R2353I, R2472I, R2482I, R2294I, R2395I, R2426I, R2444I.
Identifiers: ClinVar variation 4838006 (VCV004838006.1).